The following is an entry in ClinVar:

NM_005559.4(LAMA1):c.6081G>T (p.Arg2027Ser)

Gene: LAMA1 (laminin subunit alpha 1; minus strand). Cytogenetic location: 18p11.31.
Variant type: single nucleotide variant.
Coding change: c.6081G>T on transcript NM_005559.4 (MANE Select); coding-DNA position 6081, G replaced by T.
Protein change: p.Arg2027Ser; replaces arginine 2027 with serine.
Molecular consequence: missense variant.
Genome position (GRCh38, 1-based): chr18:6,978,305, C>A on the plus strand (G>T on the coding strand, the complement: LAMA1 is on the minus strand). VCF-style: chr18-6978305-C-A. GRCh37 (hg19) VCF-style: chr18-6978304-C-A.
Other names: short protein forms R2027S.
Identifiers: ClinVar variation 1495453 (VCV001495453.8), dbSNP rs955349741, ClinGen allele CA295756331.

ClinVar aggregate classification (germline): Uncertain significance (1 of 4 stars; one submission).

Allele frequency attached by ClinVar (database versions not stated): gnomAD exomes below 0.00001; gnomAD 0.00001; TOPMed 0.00002.
gnomAD v4.1: 3 of 1,614,096 alleles (0.00019%); highest among the groups gnomAD compares: African/African-American, 0.004%; no homozygotes.

Submission:

Labcorp Genetics (formerly Invitae), Labcorp
Classification: Uncertain significance. Last evaluated: 2023-07-17. Review status: criteria provided, single submitter. Criteria: Invitae Variant Classification Sherloc (09022015). Collection method: clinical testing. Allele origin: germline.
Comment: In summary, the available evidence is currently insufficient to determine the role of this variant in disease. Therefore, it has been classified as a Variant of Uncertain Significance. Advanced modeling of protein sequence and biophysical properties (such as structural, functional, and spatial information, amino acid conservation, physicochemical variation, residue mobility, and thermodynamic stability) performed at Invitae indicates that this missense variant is not expected to disrupt LAMA1 protein function. ClinVar contains an entry for this variant (Variation ID: 1495453). This variant has not been reported in the literature in individuals affected with LAMA1-related conditions. This variant is present in population databases (no rsID available, gnomAD 0.008%). This sequence change replaces arginine, which is basic and polar, with serine, which is neutral and polar, at codon 2027 of the LAMA1 protein (p.Arg2027Ser).